The following is an entry in ClinVar:

ClinVar aggregate classification (germline): Uncertain significance (1 of 4 stars; one submission).

Submission:

Labcorp Genetics (formerly Invitae), Labcorp
Classification: Uncertain significance. Last evaluated: 2022-04-20. Review status: criteria provided, single submitter. Criteria: Invitae Variant Classification Sherloc (09022015). Collection method: clinical testing. Allele origin: germline.
Comment: In summary, the available evidence is currently insufficient to determine the role of this variant in disease. Therefore, it has been classified as a Variant of Uncertain Significance. Algorithms developed to predict the effect of missense changes on protein structure and function are either unavailable or do not agree on the potential impact of this missense change (SIFT: "Not Available"; PolyPhen-2: "Benign"; Align-GVGD: "Not Available"). This variant is present in population databases (no rsID available, gnomAD 0.2%). This sequence change replaces cysteine, which is neutral and slightly polar, with serine, which is neutral and polar, at codon 1500 of the LAMA5 protein (p.Cys1500Ser). This variant has not been reported in the literature in individuals affected with LAMA5-related conditions.

NM_005560.6(LAMA5):c.4499_4500delinsCT (p.Cys1500Ser)

Gene: LAMA5 (laminin subunit alpha 5; minus strand). Cytogenetic location: 20q13.33.
Variant type: Indel.
Coding change: c.4499_4500delinsCT on transcript NM_005560.6 (MANE Select); coding-DNA positions 4499 to 4500, GC replaced by CT.
Protein change: p.Cys1500Ser; replaces cysteine 1500 with serine.
Molecular consequence: missense variant.
Genome position (GRCh38, 1-based): chr20:62,328,393-62,328,394, GC replaced by AG on the plus strand (GC replaced by CT on the coding strand, the reverse complement: LAMA5 is on the minus strand). VCF-style: chr20-62328393-GC-AG. GRCh37 (hg19) VCF-style: chr20-60903449-GC-AG.
Other names: short protein forms C1500S.
Identifiers: ClinVar variation 2414072 (VCV002414072.6), dbSNP rs2516068459, ClinGen allele CA2580098350.